The following is an entry in ClinVar:

ClinVar aggregate classification (germline): Benign. Review status: criteria provided, multiple submitters, no conflicts (2 of 4 stars). 2 submissions from 2 submitters: Benign (2). Last evaluated 2018-01-13.

Conditions:
Familial hypokalemia-hypomagnesemia (GTLMNS). Also called: gitelman syndrome; HYPOMAGNESEMIA-HYPOKALEMIA, PRIMARY RENOTUBULAR, WITH HYPOCALCIURIA; POTASSIUM AND MAGNESIUM DEPLETION. Identifiers: Orphanet 358, MedGen C0268450, MONDO:0009904, OMIM 263800.

Allele frequency attached by ClinVar (database versions not stated): gnomAD exomes 0.50000; 1000 Genomes Project 0.56190; 1000 Genomes Project 30x 0.56949; TOPMed 0.59224; gnomAD 0.59354 and 0.60231.
gnomAD v4.1: 90,280 of 152,142 alleles (59%); highest among the groups gnomAD compares: African/African-American, 72%; 27,486 homozygotes.

Submissions (2):

Illumina Laboratory Services, Illumina
Classification: Benign for Familial hypokalemia-hypomagnesemia. Last evaluated: 2018-01-13. Review status: criteria provided, single submitter. Criteria: ICSL Variant Classification Criteria 13 December 2019. Collection method: clinical testing. Allele origin: germline.
Comment: This variant was observed in the ICSL laboratory as part of a predisposition screen in an ostensibly healthy population. It had not been previously curated by ICSL or reported in the Human Gene Mutation Database (HGMD: prior to June 1st, 2018), and was therefore a candidate for classification through an automated scoring system. Utilizing variant allele frequency, disease prevalence and penetrance estimates, and inheritance mode, an automated score was calculated to assess if this variant is too frequent to cause the disease. Based on the score and internal cut-off values, a variant classified as benign is not then subjected to further curation. The score for this variant resulted in a classification of benign for this disease.

Breakthrough Genomics
Classification: Benign. Review status: criteria provided, single submitter. Criteria: ACMG Guidelines, 2015. Collection method: not provided. Allele origin: germline. Inheritance: Autosomal recessive inheritance. Affected: yes.

NM_001126108.2(SLC12A3):c.*1851A>G

Gene: SLC12A3 (solute carrier family 12 member 3; plus strand). Cytogenetic location: 16q13.
Variant type: single nucleotide variant.
Coding change: c.*1851A>G on transcript NM_001126108.2 (MANE Select); 1851 bases downstream of the stop codon, A replaced by G.
Molecular consequence: 3 prime UTR variant.
Genome position (GRCh38, 1-based): chr16:56,915,256, A>G. VCF-style: chr16-56915256-A-G. GRCh37 (hg19) VCF-style: chr16-56949168-A-G.
Other names: c.*1851A>G (NM_000339.3, NM_001126107.2).
Identifiers: ClinVar variation 319957 (VCV000319957.6), dbSNP rs37029, ClinGen allele CA10638088.